The following is an entry in ClinVar:

ClinVar aggregate classification (germline): Pathogenic/Likely pathogenic. Review status: criteria provided, multiple submitters, no conflicts (2 of 4 stars). 11 submissions from 10 submitters: Pathogenic (4); Likely pathogenic (3). 4 of the submissions do not count toward it. Last evaluated 2026-09-19.

Conditions:
C8ORF37 & CFAP418-related disorders.
CFAP418-related disorder. Also called: CFAP418-related condition.
Bardet-biedl syndrome 21. Identifiers: MedGen C4319932, MONDO:0044308, OMIM 617406.
Cone-rod dystrophy 16 (CORD16). Identifiers: MedGen C3281045, MONDO:0013786, OMIM 614500.
Retinal dystrophy. Also called: Inherited retinal dystrophy. Identifiers: Orphanet 71862, MedGen C0854723, MeSH D058499, MONDO:0019118, HP:0000556.
Retinitis pigmentosa (RP). Identifiers: Orphanet 791, MedGen C0035334, MeSH D012174, MONDO:0019200, OMIM 268000. Inheritance: Autosomal dominant, autosomal recessive and X linked inheritance.
Autosomal recessive retinitis pigmentosa. Identifiers: MedGen C0339526.

Allele frequency attached by ClinVar (database versions not stated): gnomAD 0.00001; ExAC 0.00002; gnomAD exomes 0.00003 and 0.00002; TOPMed 0.00002.
gnomAD v4.1: 38 of 1,613,454 alleles (0.0024%); highest among the groups gnomAD compares: Middle Eastern, 0.016%; no homozygotes.

Submissions (11):

PreventionGenetics, part of Exact Sciences
Classification: Likely pathogenic for CFAP418-related condition. Last evaluated: 2026-09-19. Review status: criteria provided, single submitter. Criteria: ACMG Guidelines, 2015. Collection method: clinical testing. Allele origin: germline.
Comment: The CFAP418 c.529C>T variant is predicted to result in the amino acid substitution p.Arg177Trp. This variant in the homozygous state has been reported in patients with retinal disorders and shown to segregate with the disease (Estrada-Cuzcano et al. 2012. PubMed ID: 22177090; Khan et al. 2016. PubMed ID: 26854863; Patel. 2016. PubMed ID: 26355662, See supplementary table S1). This variant is reported in 0.0098% of alleles in individuals of South Asian descent in gnomAD. This variant is interpreted as likely pathogenic.

Greenwood Genetic Center Diagnostic Laboratories, Greenwood Genetic Center
Classification: Likely pathogenic for CFAP418-related disorder. Last evaluated: 2026-05-14. Review status: criteria provided, single submitter. Criteria: ACMG Guidelines, 2015. Collection method: clinical testing. Allele origin: germline. Affected: yes.
Comment: PS3, PM2, PM3, PP1

Labcorp Genetics (formerly Invitae), Labcorp
Classification: Pathogenic. Last evaluated: 2026-01-12. Review status: criteria provided, single submitter. Criteria: Invitae Variant Classification Sherloc (09022015). Collection method: clinical testing. Allele origin: germline.
Comment: This sequence change replaces arginine, which is basic and polar, with tryptophan, which is neutral and slightly polar, at codon 177 of the C8orf37 protein (p.Arg177Trp). This variant is present in population databases (rs387907136, gnomAD 0.01%). This missense change has been observed in individuals with cone-rod dystrophy (PMID: 22177090, 25515582, 30029497, 31456290). It has also been observed to segregate with disease in related individuals. ClinVar contains an entry for this variant (Variation ID: 31194). An algorithm developed to predict the effect of missense changes on protein structure and function (PolyPhen-2) suggests that this variant is likely to be disruptive. Experimental studies have shown that this missense change affects C8orf37 function (PMID: 27008867). For these reasons, this variant has been classified as Pathogenic.

Genomic Medicine Center of Excellence, King Faisal Specialist Hospital and Research Centre
Classification: Pathogenic for Cone-rod dystrophy 16. Last evaluated: 2025-09-10. Review status: criteria provided, single submitter. Criteria: ACMG Guidelines, 2015. Collection method: clinical testing. Allele origin: germline.

Ophthalmic Genetics Group, Institute of Molecular and Clinical Ophthalmology Basel
Classification: Likely pathogenic for Retinal dystrophy. Last evaluated: 2024-05-27. Review status: criteria provided, single submitter. Criteria: ACMG Guidelines, 2015. Collection method: research. Allele origin: germline. Affected: yes. Observed: 2 variant alleles.
Comment: This variant was classified as Likely pathogenic based on ACMG criteria: PM2_sup, PP1_strong, PP2_sup, PP3_mod and PP5_strong

Blueprint Genetics
Classification: Pathogenic for C8ORF37 & CFAP418-related disorders. Last evaluated: 2022-09-27. Review status: criteria provided, single submitter. Criteria: ACMG Guidelines, 2015. Collection method: clinical testing. Allele origin: germline. Affected: yes. Observed: 4 variant alleles.

Juno Genomics, Hangzhou Juno Genomics, Inc
Classification: Pathogenic for Bardet-biedl syndrome 21; Cone-rod dystrophy 16. Review status: criteria provided, single submitter. Criteria: ACMG Guidelines, 2015. Collection method: clinical testing. Allele origin: germline.
Comment: Absent from controls (or at extremely low frequency if recessive) in Genome Aggregation Database.;Multiple lines of computational evidence support a deleterious effect on the gene or gene product.;For recessive disorders, detected in trans with a pathogenic variant.;Co-segregation with disease in multiple affected family members.

Sharon lab, Hadassah-Hebrew University Medical Center
Classification: Likely pathogenic for Retinitis pigmentosa. Last evaluated: 2019-06-23. Review status: no assertion criteria provided. Collection method: research. Allele origin: inherited. Affected: yes. Not counted in ClinVar's aggregate classification.

Faculty of Health Sciences, Beirut Arab University
Classification: Pathogenic for Autosomal recessive Retinitis Pigmentosa. Last evaluated: 2015-09-10. Review status: no assertion criteria provided. Collection method: literature only. Allele origin: germline. Affected: yes. Observed: 2 variant alleles. Not counted in ClinVar's aggregate classification.

OMIM
Classification: Pathogenic for CONE-ROD DYSTROPHY 16. Last evaluated: 2012-01-13. Review status: no assertion criteria provided. Collection method: literature only. Allele origin: germline. Not counted in ClinVar's aggregate classification.

OMIM
Classification: Pathogenic for BARDET-BIEDL SYNDROME 21. Last evaluated: 2012-01-13. Review status: no assertion criteria provided. Collection method: literature only. Allele origin: germline. Not counted in ClinVar's aggregate classification.

Literature cited by the submitters: PubMed 22177090 (cited by Labcorp Genetics (formerly Invitae), Labcorp and OMIM); PubMed 25515582 (cited by Labcorp Genetics (formerly Invitae), Labcorp); PubMed 30029497 (cited by Labcorp Genetics (formerly Invitae), Labcorp and Ophthalmic Genetics Group, Institute of Molecular and Clinical Ophthalmology Basel); PubMed 31456290 (cited by Labcorp Genetics (formerly Invitae), Labcorp and Ophthalmic Genetics Group, Institute of Molecular and Clinical Ophthalmology Basel); PubMed 27008867 (cited by 3 submitters); PubMed 40180963 (cited by Ophthalmic Genetics Group, Institute of Molecular and Clinical Ophthalmology Basel); PubMed 26355662 (cited by Faculty of Health Sciences, Beirut Arab University); PubMed 26854863 (cited by OMIM).

NM_177965.4(CFAP418):c.529C>T (p.Arg177Trp)

Gene: CFAP418 (cilia and flagella associated protein 418; minus strand). Cytogenetic location: 8q22.1.
Variant type: single nucleotide variant.
Coding change: c.529C>T on transcript NM_177965.4 (MANE Select); coding-DNA position 529, C replaced by T.
Protein change: p.Arg177Trp; replaces arginine 177 with tryptophan.
Molecular consequence: missense variant.
Genome position (GRCh38, 1-based): chr8:95,247,712, G>A on the plus strand (C>T on the coding strand, the complement: CFAP418 is on the minus strand). VCF-style: chr8-95247712-G-A. GRCh37 (hg19) VCF-style: chr8-96259940-G-A.
Other names: C8ORF37, ARG177TRP; NC_000008.11:g.95247712G>A; NP_808880.1:p.(Arg177Trp); c.433C>T, p.Arg145Trp (NM_001363260.1); short protein forms R177W, R145W.
Identifiers: ClinVar variation 31194 (VCV000031194.15), dbSNP rs387907136, ClinGen allele CA260013.